The following is an entry in ClinVar:

NM_021076.4(NEFH):c.1967_2008del (p.Glu656_Pro669del)

Gene: NEFH (neurofilament heavy chain; plus strand). Cytogenetic location: 22q12.2.
Variant type: Deletion.
Coding change: c.1967_2008del on transcript NM_021076.4 (MANE Select); coding-DNA positions 1967 to 2008, 42 bases deleted.
Protein change: p.Glu656_Pro669del.
Molecular consequence: inframe deletion.
Genome position (GRCh38, 1-based): chr22:29,489,607-29,489,648, 42 bases deleted; deleting any 42 consecutive bases within chr22:29,489,579-29,489,648 gives the same sequence; the c. name uses the placement nearest the transcript's 3' end. GRCh37 (hg19): chr22:29,885,596-29,885,637.
Identifiers: ClinVar variation 1964687 (VCV001964687.5), dbSNP rs2517977875, ClinGen allele CA2580099466.

ClinVar aggregate classification (germline): Uncertain significance (1 of 4 stars; one submission).

Submission:

Labcorp Genetics (formerly Invitae), Labcorp
Classification: Uncertain significance. Last evaluated: 2023-06-19. Review status: criteria provided, single submitter. Criteria: Invitae Variant Classification Sherloc (09022015). Collection method: clinical testing. Allele origin: germline.
Comment: In summary, the available evidence is currently insufficient to determine the role of this variant in disease. Therefore, it has been classified as a Variant of Uncertain Significance. Experimental studies and prediction algorithms are not available or were not evaluated, and the functional significance of this variant is currently unknown. ClinVar contains an entry for this variant (Variation ID: 1964687). This variant has not been reported in the literature in individuals affected with NEFH-related conditions. This variant is not present in population databases (gnomAD no frequency). This variant, c.1967_2008del, results in the deletion of 14 amino acid(s) of the NEFH protein (p.Glu656_Pro669del), but otherwise preserves the integrity of the reading frame.